The following is an entry in ClinVar:

ClinVar aggregate classification (germline): Likely benign (1 of 4 stars; one submission).

Allele frequency attached by ClinVar (database versions not stated): ExAC 0.00035.

Submission:

CeGaT Center for Human Genetics Tuebingen
Classification: Likely benign. Last evaluated: 2025-02-01. Review status: criteria provided, single submitter. Criteria: CeGaT Center For Human Genetics Tuebingen Variant Classification Criteria Version 2. Collection method: clinical testing. Allele origin: germline. Affected: yes. Observed: 4 variant alleles.
Comment: ZNF100: BP4, BP7

NM_173531.4(ZNF100):c.1257T>C (p.His419=)

Gene: ZNF100 (zinc finger protein 100; minus strand). Cytogenetic location: 19p12.
Variant type: single nucleotide variant.
Coding change: c.1257T>C on transcript NM_173531.4 (MANE Select); coding-DNA position 1257, T replaced by C.
Protein change: p.His419=; no amino-acid change (histidine 419 retained).
Molecular consequence: synonymous variant.
Genome position (GRCh38, 1-based): chr19:21,727,055, A>G on the plus strand (T>C on the coding strand, the complement: ZNF100 is on the minus strand). VCF-style: chr19-21727055-A-G. GRCh37 (hg19) VCF-style: chr19-21909857-A-G.
Other names: c.1254T>C, p.His418= (NM_001351669.2); c.1158T>C, p.His386= (NM_001351670.2); c.954T>C, p.His318= (NM_001351671.2); c.612T>C, p.His204= (NM_001351672.2).
Identifiers: ClinVar variation 2649627 (VCV002649627.24), dbSNP rs755146922, ClinGen allele CA9340408.